The following is an entry in ClinVar:

NM_033100.4(CDHR1):c.774C>G (p.Asp258Glu)

Gene: CDHR1 (cadherin related family member 1; plus strand). Cytogenetic location: 10q23.1.
Variant type: single nucleotide variant.
Coding change: c.774C>G on transcript NM_033100.4 (MANE Select); coding-DNA position 774, C replaced by G.
Protein change: p.Asp258Glu; replaces aspartic acid 258 with glutamic acid.
Molecular consequence: missense variant.
Genome position (GRCh38, 1-based): chr10:84,203,114, C>G. VCF-style: chr10-84203114-C-G. GRCh37 (hg19) VCF-style: chr10-85962870-C-G.
Other names: c.774C>G, p.Asp258Glu (NM_001171971.3); short protein forms D258E.
Identifiers: ClinVar variation 1717532 (VCV001717532.6), dbSNP rs2492497865, ClinGen allele CA377372807.

ClinVar aggregate classification (germline): Uncertain significance (1 of 4 stars; one submission).

Submission:

Labcorp Genetics (formerly Invitae), Labcorp
Classification: Uncertain significance. Last evaluated: 2022-10-28. Review status: criteria provided, single submitter. Criteria: Invitae Variant Classification Sherloc (09022015). Collection method: clinical testing. Allele origin: germline.
Comment: This sequence change replaces aspartic acid, which is acidic and polar, with glutamic acid, which is acidic and polar, at codon 258 of the CDHR1 protein (p.Asp258Glu). This variant is not present in population databases (gnomAD no frequency). This variant has not been reported in the literature in individuals affected with CDHR1-related conditions. Advanced modeling of protein sequence and biophysical properties (such as structural, functional, and spatial information, amino acid conservation, physicochemical variation, residue mobility, and thermodynamic stability) performed at Invitae indicates that this missense variant is not expected to disrupt CDHR1 protein function. In summary, the available evidence is currently insufficient to determine the role of this variant in disease. Therefore, it has been classified as a Variant of Uncertain Significance.